The following is an entry in ClinVar:

NM_002474.3(MYH11):c.2843T>C (p.Met948Thr)

Gene: MYH11 (myosin heavy chain 11; minus strand). Cytogenetic location: 16p13.11.
Variant type: single nucleotide variant.
Coding change: c.2843T>C on transcript NM_002474.3 (MANE Select); coding-DNA position 2843, T replaced by C.
Protein change: p.Met948Thr; replaces methionine 948 with threonine.
Molecular consequence: missense variant.
Genome position (GRCh38, 1-based): chr16:15,741,479, A>G on the plus strand (T>C on the coding strand, the complement: MYH11 is on the minus strand). VCF-style: chr16-15741479-A-G. GRCh37 (hg19) VCF-style: chr16-15835336-A-G.
Other names: c.2864T>C, p.Met955Thr (NM_001040113.2, NM_001040114.2); c.2843T>C, p.Met948Thr (NM_022844.3); short protein forms M948T, M955T.
Identifiers: ClinVar variation 3069443 (VCV003069443.1), dbSNP rs749945246, ClinGen allele CA7922167.
Genomic context (GRCh38, chr16:15,741,479, plus strand): 5'-AAGTGATTTGCTACCCACCACGGGCTGCCCCTGTGACACCTTACCAGCATCTGCTGGGCC[A>G]TCTTCTTCCTTTCAGCCTGTAGCTGCTGGCCCCTGTCTTCCTCCTCCTCCAGGCGGGCCT-3'
Protein context (NP_002465.1, residues 938-958): GQQLQAERKK[Met948Thr]AQQMLDLEEQ

ClinVar aggregate classification (germline): Uncertain significance (1 of 4 stars; one submission).

Conditions:
Familial thoracic aortic aneurysm and aortic dissection (TAAD). Also called: Thoracic aortic aneurysms and dissections. Identifiers: Orphanet 91387, MedGen C4707243, MONDO:0019625.

Allele frequency attached by ClinVar (database versions not stated): gnomAD exomes below 0.00001; ExAC 0.00001.
gnomAD v4.1: 2 of 1,608,346 alleles (0.00012%); highest among the groups gnomAD compares: East Asian, 0.0022%; no homozygotes.

Submission:

All of Us Research Program, National Institutes of Health
Classification: Uncertain significance for Familial thoracic aortic aneurysm and aortic dissection. Last evaluated: 2023-03-04. Review status: criteria provided, single submitter. Criteria: ACMG Guidelines, 2015. Collection method: clinical testing. Allele origin: germline. Inheritance: Autosomal dominant inheritance. Observed: 1 variant allele, 1 heterozygote.
Comment: This study involves interpretation of variants in research participants for the purpose of population health screening. Participant phenotype was not available at the time of variant classification. Additional details can be found in publication PMID: 35346344, PMCID: PMC8962531